The following is an entry in ClinVar:

ClinVar aggregate classification (germline): Uncertain significance. Review status: criteria provided, multiple submitters, no conflicts (2 of 4 stars). 3 submissions from 3 submitters: Uncertain significance (3). Last evaluated 2025-07-31.

Conditions:
Inborn genetic diseases. Identifiers: MedGen C0950123, MeSH D030342.
Leber congenital amaurosis 5 (LCA5). Also called: Amaurosis congenita of Leber, type 5. Identifiers: Orphanet 65, MedGen C1858301, MONDO:0011473, OMIM 604537.

Allele frequency attached by ClinVar (database versions not stated): gnomAD 0.00001; ExAC 0.00002; TOPMed 0.00002; gnomAD exomes 0.00003.
gnomAD v4.1: 28 of 1,614,044 alleles (0.0017%); highest among the groups gnomAD compares: Non-Finnish European, 0.00025%; no homozygotes.

Submissions (3):

Ambry Genetics
Classification: Uncertain significance for Inborn genetic diseases. Last evaluated: 2025-07-31. Review status: criteria provided, single submitter. Criteria: Ambry Variant Classification Scheme 2023. Collection method: clinical testing. Allele origin: germline.

Labcorp Genetics (formerly Invitae), Labcorp
Classification: Uncertain significance. Last evaluated: 2021-08-30. Review status: criteria provided, single submitter. Criteria: Invitae Variant Classification Sherloc (09022015). Collection method: clinical testing. Allele origin: germline.
Comment: This sequence change replaces serine with glycine at codon 7 of the LCA5 protein (p.Ser7Gly). The serine residue is highly conserved and there is a small physicochemical difference between serine and glycine. This variant is present in population databases (rs746949921, ExAC 0.004%). This variant has not been reported in the literature in individuals affected with LCA5-related conditions. Algorithms developed to predict the effect of missense changes on protein structure and function are either unavailable or do not agree on the potential impact of this missense change (SIFT: "Deleterious"; PolyPhen-2: "Possibly Damaging"; Align-GVGD: "Class C0"). In summary, the available evidence is currently insufficient to determine the role of this variant in disease. Therefore, it has been classified as a Variant of Uncertain Significance.

Illumina Laboratory Services, Illumina
Classification: Uncertain significance for Leber congenital amaurosis 5. Last evaluated: 2018-01-13. Review status: criteria provided, single submitter. Criteria: ICSL Variant Classification Criteria 13 December 2019. Collection method: clinical testing. Allele origin: germline.

NM_001122769.3(LCA5):c.19A>G (p.Ser7Gly)

Gene: LCA5 (lebercilin LCA5; minus strand). Cytogenetic location: 6q14.1.
Variant type: single nucleotide variant.
Coding change: c.19A>G on transcript NM_001122769.3 (MANE Select); coding-DNA position 19, A replaced by G.
Protein change: p.Ser7Gly; replaces serine 7 with glycine.
Molecular consequence: missense variant.
Genome position (GRCh38, 1-based): chr6:79,518,876, T>C on the plus strand (A>G on the coding strand, the complement: LCA5 is on the minus strand). VCF-style: chr6-79518876-T-C. GRCh37 (hg19) VCF-style: chr6-80228593-T-C.
Other names: c.19A>G, p.Ser7Gly (NM_181714.4); short protein forms S7G.
Identifiers: ClinVar variation 911432 (VCV000911432.7), dbSNP rs746949921, ClinGen allele CA3901234.